The following is an entry in ClinVar:

NM_001292063.2(OTOG):c.2405T>A (p.Leu802Gln)

Gene: OTOG (otogelin; plus strand). Cytogenetic location: 11p15.1.
Variant type: single nucleotide variant.
Coding change: c.2405T>A on transcript NM_001292063.2 (MANE Select); coding-DNA position 2405, T replaced by A.
Protein change: p.Leu802Gln; replaces leucine 802 with glutamine.
Molecular consequence: missense variant.
Genome position (GRCh38, 1-based): chr11:17,574,831, T>A. VCF-style: chr11-17574831-T-A. GRCh37 (hg19) VCF-style: chr11-17596378-T-A.
Other names: c.2441T>A, p.Leu814Gln (NM_001277269.2); short protein forms L802Q, L814Q.
Identifiers: ClinVar variation 1219694 (VCV001219694.11), dbSNP rs144972211, ClinGen allele CA5905621.
Genomic context (GRCh38, chr11:17,574,831, plus strand): 5'-GACGTACCTGCCAGGACCTGGCCAGCCCTGAGGCCTGTGGGGTTGATGGTGGCGATGACC[T>A]GAGCAGAGACGAGTGTGTGGAGGGCTGTGCCTGCCCACCGGACACCTATCTGGACACCCA-3'
Protein context (NP_001278992.1, residues 792-812): EACGVDGGDD[Leu802Gln]SRDECVEGCA

ClinVar aggregate classification (germline): Conflicting classifications of pathogenicity. Review status: criteria provided, conflicting classifications (1 of 4 stars). 4 submissions from 4 submitters: Uncertain significance (2); Likely benign (1). 1 of the submissions does not count toward it. Last evaluated 2025-09-17.

Conditions:
OTOG-related disorder. Also called: OTOG-related condition.

Allele frequency attached by ClinVar (database versions not stated): ExAC 0.00007; gnomAD exomes 0.00011; 1000 Genomes Project 30x 0.00031; 1000 Genomes Project 0.00040; gnomAD 0.00048 and 0.00053; TOPMed 0.00055.
gnomAD v4.1: 125 of 1,550,098 alleles (0.0081%); highest among the groups gnomAD compares: African/African-American, 0.15%; no homozygotes.

Submissions (4):

Labcorp Genetics (formerly Invitae), Labcorp
Classification: Likely benign. Last evaluated: 2025-09-17. Review status: criteria provided, single submitter. Criteria: Invitae Variant Classification Sherloc (09022015). Collection method: clinical testing. Allele origin: germline.

Blueprint Genetics
Classification: Uncertain significance. Last evaluated: 2024-07-18. Review status: criteria provided, single submitter. Criteria: ACMG Guidelines, 2015. Collection method: clinical testing. Allele origin: germline.

GeneDx
Classification: Uncertain significance. Last evaluated: 2020-11-27. Review status: criteria provided, single submitter. Criteria: GeneDx Variant Classification Process June 2021. Collection method: clinical testing. Allele origin: germline. Affected: yes.
Comment: In silico analysis, which includes protein predictors and evolutionary conservation, supports that this variant does not alter protein structure/function; Has not been previously published as pathogenic or benign to our knowledge; Observed together withvariant R579Q, and in some cases also with variantV1450=; in individuals with hearing loss tested at GeneDx; and was determined to be on the same allele (in cis) asR579Q in one of these cases

PreventionGenetics, part of Exact Sciences
Classification: Likely benign for OTOG-related condition. Last evaluated: 2022-09-24. Review status: no assertion criteria provided. Collection method: clinical testing. Allele origin: germline. Not counted in ClinVar's aggregate classification.
Comment: This variant is classified as likely benign based on ACMG/AMP sequence variant interpretation guidelines (Richards et al. 2015 PMID: 25741868, with internal and published modifications).